The following is an entry in ClinVar:

ClinVar aggregate classification (germline): Uncertain significance (1 of 4 stars; one submission).

Allele frequency attached by ClinVar (database versions not stated): gnomAD exomes below 0.00001.
gnomAD v4.1: 1 of 1,612,598 alleles (0.000062%); highest among the groups gnomAD compares: Admixed American, 0.0017%; no homozygotes.

Submission:

Labcorp Genetics (formerly Invitae), Labcorp
Classification: Uncertain significance. Last evaluated: 2023-07-16. Review status: criteria provided, single submitter. Criteria: Invitae Variant Classification Sherloc (09022015). Collection method: clinical testing. Allele origin: germline.
Comment: In summary, the available evidence is currently insufficient to determine the role of this variant in disease. Therefore, it has been classified as a Variant of Uncertain Significance. Advanced modeling of protein sequence and biophysical properties (such as structural, functional, and spatial information, amino acid conservation, physicochemical variation, residue mobility, and thermodynamic stability) performed at Invitae indicates that this missense variant is expected to disrupt OPA1 protein function. This variant has not been reported in the literature in individuals affected with OPA1-related conditions. This variant is present in population databases (no rsID available, gnomAD 0.003%). This sequence change replaces glutamine, which is neutral and polar, with arginine, which is basic and polar, at codon 538 of the OPA1 protein (p.Gln538Arg).

NM_130837.3(OPA1):c.1778A>G (p.Gln593Arg)

Genes: OPA1 (OPA1 mitochondrial dynamin like GTPase; plus strand), LOC126806913 (BRD4-independent group 4 enhancer GRCh37_chr3:193364377-193365576; plus strand). Cytogenetic location: 3q29.
Variant type: single nucleotide variant.
Coding change: c.1778A>G on transcript NM_130837.3 (MANE Select); coding-DNA position 1778, A replaced by G.
Protein change: p.Gln593Arg; replaces glutamine 593 with arginine.
Molecular consequence: missense variant.
Genome position (GRCh38, 1-based): chr3:193,647,088, A>G. VCF-style: chr3-193647088-A-G. GRCh37 (hg19) VCF-style: chr3-193364877-A-G.
Other names: c.1244A>G, p.Gln415Arg (NM_001354663.2); c.1241A>G, p.Gln414Arg (NM_001354664.2); c.1613A>G, p.Gln538Arg (NM_015560.3); c.1505A>G, p.Gln502Arg (NM_130831.3); c.1559A>G, p.Gln520Arg (NM_130832.3); c.1616A>G, p.Gln539Arg (NM_130833.3); c.1667A>G, p.Gln556Arg (NM_130834.3); c.1670A>G, p.Gln557Arg (NM_130835.3); and 1 more; short protein forms Q414R, Q415R, Q520R, Q556R, Q538R, Q557R, Q575R, Q502R.
Identifiers: ClinVar variation 2800051 (VCV002800051.3), dbSNP rs1489038208, ClinGen allele CA355790394.
Genomic context (GRCh38, chr3:193,647,088, plus strand): 5'-TTAATATACTTTAGCTCTTGTTATTTTTTTTTAATAGGACAAGCATGCTAAAGGCACACC[A>G]AGTGACTACAAGAAATTTAAGCCTTGCAGTATCAGACTGCTTTTGGAAAATGGTACGAGA-3'
Protein context (NP_570850.2, residues 583-603): LLKTSMLKAH[Gln593Arg]VTTRNLSLAV